The following is an entry in ClinVar:

NM_181426.2(CCDC39):c.2312T>G (p.Val771Gly)

Genes: CCDC39 (coiled-coil domain 39 molecular ruler complex subunit; minus strand), TTC14 (tetratricopeptide repeat domain 14; plus strand). Cytogenetic location: 3q26.33.
Variant type: single nucleotide variant.
Coding change: c.2312T>G on transcript NM_181426.2 (MANE Select); coding-DNA position 2312, T replaced by G.
Protein change: p.Val771Gly; replaces valine 771 with glycine.
Molecular consequence: missense variant. On other transcripts: intron variant (1).
Genome position (GRCh38, 1-based): chr3:180,616,920, A>C on the plus strand (T>G on the coding strand, the complement: CCDC39 is on the minus strand). VCF-style: chr3-180616920-A-C. GRCh37 (hg19) VCF-style: chr3-180334708-A-C.
Other names: c.1775-460A>C (NM_001288582.2); short protein forms V771G.
Identifiers: ClinVar variation 3486691 (VCV003486691.1).

ClinVar aggregate classification (germline): Uncertain significance. Review status: criteria provided, multiple submitters, no conflicts (2 of 4 stars). 2 submissions from 2 submitters: Uncertain significance (2). Last evaluated 2025-07-31.

Conditions:
Primary ciliary dyskinesia. Also called: Ciliary dyskinesia. Identifiers: Orphanet 244, MedGen C0008780, MONDO:0016575, HP:0012265.

gnomAD v4.1: 7 of 1,526,650 alleles (0.00046%); highest among the groups gnomAD compares: Admixed American, 0.011%; no homozygotes.

Submissions (2):

Labcorp Genetics (formerly Invitae), Labcorp
Classification: Uncertain significance for Primary ciliary dyskinesia. Last evaluated: 2025-07-31. Review status: criteria provided, single submitter. Criteria: Invitae Variant Classification Sherloc (09022015). Collection method: clinical testing. Allele origin: germline.
Comment: This sequence change replaces valine, which is neutral and non-polar, with glycine, which is neutral and non-polar, at codon 771 of the CCDC39 protein (p.Val771Gly). This variant is present in population databases (rs771050724, gnomAD 0.02%). This variant has not been reported in the literature in individuals affected with CCDC39-related conditions. ClinVar contains an entry for this variant (Variation ID: 3486691). An algorithm developed to predict the effect of missense changes on protein structure and function outputs the following: PolyPhen-2: "Benign". The glycine amino acid residue is found in multiple mammalian species, which suggests that this missense change does not adversely affect protein function. In summary, the available evidence is currently insufficient to determine the role of this variant in disease. Therefore, it has been classified as a Variant of Uncertain Significance.

Ambry Genetics
Classification: Uncertain significance for Primary ciliary dyskinesia. Last evaluated: 2024-12-09. Review status: criteria provided, single submitter. Criteria: Ambry Variant Classification Scheme 2023. Collection method: clinical testing. Allele origin: germline.